The following is an entry in ClinVar:

NM_006941.4(SOX10):c.12_13delinsAT (p.Gln5Ter)

Genes: POLR2F (RNA polymerase II, I and III subunit F; plus strand), SOX10 (SRY-box transcription factor 10; minus strand). Cytogenetic location: 22q13.1.
Variant type: Indel.
Coding change: c.12_13delinsAT on transcript NM_006941.4 (MANE Select); coding-DNA positions 12 to 13, GC replaced by AT.
Protein change: p.Gln5Ter; replaces glutamine 5 with a stop codon.
Molecular consequence: nonsense. On other transcripts: intron variant (3).
Genome position (GRCh38, 1-based): chr22:37,983,772-37,983,773, GC replaced by AT on the plus strand (GC replaced by AT on the coding strand, the reverse complement: SOX10 is on the minus strand). VCF-style: chr22-37983772-GC-AT. GRCh37 (hg19) VCF-style: chr22-38379779-GC-AT.
Other names: c.*38+11462_*38+11463delinsAT (NM_001363825.1); c.294-2382_294-2381delinsAT (NM_001301130.2); c.293+16602_293+16603delinsAT (NM_001301131.2); short protein forms Q5*.
Identifiers: ClinVar variation 1220524 (VCV001220524.3), dbSNP rs2145777835, ClinGen allele CA2499226186.

ClinVar aggregate classification (germline): Pathogenic (1 of 4 stars; one submission).

Conditions:
Waardenburg syndrome type 2E (WS2E). Also called: WAARDENBURG SYNDROME, TYPE 2E, WITH OR WITHOUT NEUROLOGIC INVOLVEMENT; WS2E, WITH OR WITHOUT NEUROLOGIC INVOLVEMENT; HYPOGONADOTROPIC HYPOGONADISM WITH ANOSMIA AND DEAFNESS, WITH OR WITHOUT HYPOPIGMENTATION. Identifiers: Orphanet 3440, MedGen C2700405, MONDO:0012698, OMIM 611584.

Submission:

Laboratory of Molecular, Cellular and Translation Genetics in Otolaryngology/ Lim32-hcfmusp, University of Sao Paulo School of Medicine Clinics Hospital
Classification: Pathogenic for Waardenburg syndrome type 2E. Review status: criteria provided, single submitter. Criteria: ClinGen HL ACMG Specifications v1. Collection method: research. Allele origin: germline. Inheritance: Autosomal dominant inheritance. Affected: yes. Observed: 2 variant alleles, 2 heterozygotes. Clinical features observed: Prelingual sensorineural hearing impairment (HP:0000399), Heterochromia iridis (HP:0001100), Sensorineural hearing loss disorder (HP:0000407), Abnormality of hair pigmentation (HP:0009887). Segregation with disease observed.